The following is an entry in ClinVar:

NM_004655.4(AXIN2):c.1605C>T (p.Ala535=)

Gene: AXIN2 (axin 2; minus strand). Cytogenetic location: 17q24.1.
Variant type: single nucleotide variant.
Coding change: c.1605C>T on transcript NM_004655.4 (MANE Select); coding-DNA position 1605, C replaced by T.
Protein change: p.Ala535=; no amino-acid change (alanine 535 retained).
Molecular consequence: synonymous variant.
Genome position (GRCh38, 1-based): chr17:65,537,431, G>A on the plus strand (C>T on the coding strand, the complement: AXIN2 is on the minus strand). VCF-style: chr17-65537431-G-A. GRCh37 (hg19) VCF-style: chr17-63533549-G-A.
Other names: c.1605C>T, p.Ala535= (NM_001363813.1).
Identifiers: ClinVar variation 700776 (VCV000700776.14), dbSNP rs888040292, ClinGen allele CA293098221.

ClinVar aggregate classification (germline): Benign/Likely benign. Review status: criteria provided, multiple submitters, no conflicts (2 of 4 stars). 3 submissions from 3 submitters: Benign (1); Likely benign (2). Last evaluated 2025-10-30.

Conditions:
Oligodontia-cancer predisposition syndrome. Also called: TOOTH AGENESIS-COLORECTAL CANCER SYNDROME. Identifiers: Orphanet 300576, MedGen C1837750, MONDO:0012075, OMIM 608615. Disease mechanism: loss of function.
Hereditary cancer-predisposing syndrome. Also called: Hereditary Cancer Syndrome; Neoplastic Syndromes, Hereditary; Hereditary neoplastic syndrome; Tumor predisposition. Identifiers: Orphanet 140162, MedGen C0027672, MeSH D009386, MONDO:0015356.

Allele frequency attached by ClinVar (database versions not stated): gnomAD 0.00001; TOPMed 0.00002.
gnomAD v4.1: 2 of 1,613,948 alleles (0.00012%); highest among the groups gnomAD compares: Non-Finnish European, 0.00017%; no homozygotes.

Submissions (3):

Labcorp Genetics (formerly Invitae), Labcorp
Classification: Likely benign for Oligodontia-cancer predisposition syndrome. Last evaluated: 2025-10-30. Review status: criteria provided, single submitter. Criteria: Invitae Variant Classification Sherloc (09022015). Collection method: clinical testing. Allele origin: germline.

Myriad Genetics, Inc.
Classification: Benign for Oligodontia-cancer predisposition syndrome. Last evaluated: 2024-07-05. Review status: criteria provided, single submitter. Criteria: Myriad Autosomal Dominant, Autosomal Recessive and X-Linked Classification Criteria (2023). Collection method: clinical testing. Allele origin: unknown.
Comment: This variant is considered benign. This variant is a silent/synonymous amino acid change and it is not expected to impact splicing.

Ambry Genetics
Classification: Likely benign for Hereditary cancer-predisposing syndrome. Last evaluated: 2019-10-18. Review status: criteria provided, single submitter. Criteria: Ambry Variant Classification Scheme 2023. Collection method: clinical testing. Allele origin: germline.